The following is an entry in ClinVar:

ClinVar aggregate classification (germline): Uncertain significance. Review status: criteria provided, multiple submitters, no conflicts (2 of 4 stars). 2 submissions from 2 submitters: Uncertain significance (2). Last evaluated 2024-10-08.

Conditions:
Muscular dystrophy-dystroglycanopathy (congenital with brain and eye anomalies), type a, 8 (MDDGA8). Also called: WALKER-WARBURG SYNDROME OR MUSCLE-EYE-BRAIN DISEASE, GTDC2-RELATED. Identifiers: Orphanet 899, MedGen C3553813, MONDO:0013904, OMIM 614830.
Inborn genetic diseases. Identifiers: MedGen C0950123, MeSH D030342.

Allele frequency attached by ClinVar (database versions not stated): ExAC 0.00001; gnomAD exomes 0.00001; TOPMed 0.00002; gnomAD 0.00005.
gnomAD v4.1: 23 of 1,614,034 alleles (0.0014%); highest among the groups gnomAD compares: Non-Finnish European, 0.0019%; no homozygotes.

Submissions (2):

Labcorp Genetics (formerly Invitae), Labcorp
Classification: Uncertain significance for Muscular dystrophy-dystroglycanopathy (congenital with brain and eye anomalies), type a, 8. Last evaluated: 2024-10-08. Review status: criteria provided, single submitter. Criteria: Invitae Variant Classification Sherloc (09022015). Collection method: clinical testing. Allele origin: germline.
Comment: This sequence change replaces asparagine, which is neutral and polar, with aspartic acid, which is acidic and polar, at codon 337 of the POMGNT2 protein (p.Asn337Asp). This variant is present in population databases (rs748310184, gnomAD 0.004%). This variant has not been reported in the literature in individuals affected with POMGNT2-related conditions. ClinVar contains an entry for this variant (Variation ID: 1052185). Invitae Evidence Modeling of protein sequence and biophysical properties (such as structural, functional, and spatial information, amino acid conservation, physicochemical variation, residue mobility, and thermodynamic stability) indicates that this missense variant is not expected to disrupt POMGNT2 protein function with a negative predictive value of 80%. In summary, the available evidence is currently insufficient to determine the role of this variant in disease. Therefore, it has been classified as a Variant of Uncertain Significance.

Ambry Genetics
Classification: Uncertain significance for Inborn genetic diseases. Last evaluated: 2024-03-07. Review status: criteria provided, single submitter. Criteria: Ambry Variant Classification Scheme 2023. Collection method: clinical testing. Allele origin: germline.

NM_032806.6(POMGNT2):c.1009A>G (p.Asn337Asp)

Gene: POMGNT2 (protein O-linked mannose N-acetylglucosaminyltransferase 2 (beta 1,4-); minus strand). Cytogenetic location: 3p22.1.
Variant type: single nucleotide variant.
Coding change: c.1009A>G on transcript NM_032806.6 (MANE Select); coding-DNA position 1009, A replaced by G.
Protein change: p.Asn337Asp; replaces asparagine 337 with aspartic acid.
Molecular consequence: missense variant.
Genome position (GRCh38, 1-based): chr3:43,080,423, T>C on the plus strand (A>G on the coding strand, the complement: POMGNT2 is on the minus strand). VCF-style: chr3-43080423-T-C. GRCh37 (hg19) VCF-style: chr3-43121915-T-C.
Other names: c.1009A>G (NM_032806.4); short protein forms N337D.
Identifiers: ClinVar variation 1052185 (VCV001052185.5), dbSNP rs748310184, ClinGen allele CA2339951.